The following is an entry in ClinVar:

NM_016335.6(PRODH):c.1560C>T (p.His520=)

Gene: PRODH (proline dehydrogenase 1; minus strand). Cytogenetic location: 22q11.21.
Variant type: single nucleotide variant.
Coding change: c.1560C>T on transcript NM_016335.6 (MANE Select); coding-DNA position 1560, C replaced by T.
Protein change: p.His520=; no amino-acid change (histidine 520 retained).
Molecular consequence: synonymous variant.
Genome position (GRCh38, 1-based): chr22:18,913,493, G>A on the plus strand (C>T on the coding strand, the complement: PRODH is on the minus strand). VCF-style: chr22-18913493-G-A. GRCh37 (hg19) VCF-style: chr22-18901006-G-A.
Other names: c.1236C>T, p.His412= (NM_001195226.2).
Identifiers: ClinVar variation 1599105 (VCV001599105.16), dbSNP rs142972542, ClinGen allele CA10094887.

ClinVar aggregate classification (germline): Benign/Likely benign. Review status: criteria provided, multiple submitters, no conflicts (2 of 4 stars). 3 submissions from 3 submitters: Benign (1); Likely benign (2). Last evaluated 2026-01-15.

Conditions:
Proline dehydrogenase deficiency (HYRPRO1). Also called: PROLINE OXIDASE DEFICIENCY; Hyperprolinemia type 1. Identifiers: Orphanet 419, MedGen C0268529, MONDO:0009400, OMIM 239500.

Allele frequency attached by ClinVar (database versions not stated): gnomAD exomes 0.00033; ExAC 0.00080; ESP Exome Variant Server 0.00154; 1000 Genomes Project 0.00280.

Submissions (3):

Labcorp Genetics (formerly Invitae), Labcorp
Classification: Benign for Proline dehydrogenase deficiency. Last evaluated: 2026-01-15. Review status: criteria provided, single submitter. Criteria: Invitae Variant Classification Sherloc (09022015). Collection method: clinical testing. Allele origin: germline.

CeGaT Center for Human Genetics Tuebingen
Classification: Likely benign. Last evaluated: 2025-10-01. Review status: criteria provided, single submitter. Criteria: CeGaT Center For Human Genetics Tuebingen Variant Classification Criteria Version 2. Collection method: clinical testing. Allele origin: germline. Affected: yes. Observed: 1 variant allele.
Comment: PRODH: BP4, BP7

Blueprint Genetics
Classification: Likely benign. Last evaluated: 2024-07-15. Review status: criteria provided, single submitter. Criteria: ACMG Guidelines, 2015. Collection method: clinical testing. Allele origin: germline.